The following is an entry in ClinVar:

NM_001136193.2(FASTKD2):c.781C>T (p.Arg261Cys)

Genes: FASTKD2 (FAST kinase domains 2; plus strand), LOC126806484 (CDK7 strongly-dependent group 2 enhancer GRCh37_chr2:207634423-207635622; plus strand). Cytogenetic location: 2q33.3.
Variant type: single nucleotide variant.
Coding change: c.781C>T on transcript NM_001136193.2 (MANE Select); coding-DNA position 781, C replaced by T.
Protein change: p.Arg261Cys; replaces arginine 261 with cysteine.
Molecular consequence: missense variant.
Genome position (GRCh38, 1-based): chr2:206,770,094, C>T. VCF-style: chr2-206770094-C-T. GRCh37 (hg19) VCF-style: chr2-207634818-C-T.
Other names: c.781C>T, p.Arg261Cys (NM_001136194.2, NM_014929.4); c.781C>T (NM_014929.3); short protein forms R261C.
Identifiers: ClinVar variation 2163300 (VCV002163300.3), dbSNP rs367924143, ClinGen allele CA2074970.

ClinVar aggregate classification (germline): Uncertain significance. Review status: criteria provided, multiple submitters, no conflicts (2 of 4 stars). 2 submissions from 2 submitters: Uncertain significance (2). Last evaluated 2024-01-22.

Conditions:
Inborn genetic diseases. Identifiers: MedGen C0950123, MeSH D030342.

Allele frequency attached by ClinVar (database versions not stated): gnomAD exomes 0.00002.

Submissions (2):

Labcorp Genetics (formerly Invitae), Labcorp
Classification: Uncertain significance. Last evaluated: 2024-01-22. Review status: criteria provided, single submitter. Criteria: Invitae Variant Classification Sherloc (09022015). Collection method: clinical testing. Allele origin: germline.
Comment: This sequence change replaces arginine, which is basic and polar, with cysteine, which is neutral and slightly polar, at codon 261 of the FASTKD2 protein (p.Arg261Cys). This variant is present in population databases (rs367924143, gnomAD 0.07%). This variant has not been reported in the literature in individuals affected with FASTKD2-related conditions. ClinVar contains an entry for this variant (Variation ID: 2163300). Advanced modeling of protein sequence and biophysical properties (such as structural, functional, and spatial information, amino acid conservation, physicochemical variation, residue mobility, and thermodynamic stability) performed at Invitae indicates that this missense variant is expected to disrupt FASTKD2 protein function with a positive predictive value of 80%. In summary, the available evidence is currently insufficient to determine the role of this variant in disease. Therefore, it has been classified as a Variant of Uncertain Significance.

Ambry Genetics
Classification: Uncertain significance for Inborn genetic diseases. Last evaluated: 2021-09-17. Review status: criteria provided, single submitter. Criteria: Ambry Variant Classification Scheme 2023. Collection method: clinical testing. Allele origin: germline.